The following is an entry in ClinVar:

NM_012281.3(KCND2):c.104G>A (p.Arg35Lys)

Gene: KCND2 (potassium voltage-gated channel subfamily D member 2; plus strand). Cytogenetic location: 7q31.31.
Variant type: single nucleotide variant.
Coding change: c.104G>A on transcript NM_012281.3 (MANE Select); coding-DNA position 104, G replaced by A.
Protein change: p.Arg35Lys; replaces arginine 35 with lysine.
Molecular consequence: missense variant.
Genome position (GRCh38, 1-based): chr7:120,274,736, G>A. VCF-style: chr7-120274736-G-A. GRCh37 (hg19) VCF-style: chr7-119914790-G-A.
Other names: short protein forms R35K.
Identifiers: ClinVar variation 2838032 (VCV002838032.3), dbSNP rs1286835940, ClinGen allele CA369130837.
Genomic context (GRCh38, chr7:120,274,736, plus strand): 5'-CGGCTATCGGGTGGATGCCTGTGGCCTCGGGGCCTATGCCGGCTCCCCCGAGGCAGGAGA[G>A]GAAAAGGACCCAAGATGCTCTCATTGTGCTGAATGTGAGTGGCACCCGCTTCCAGACGTG-3'
Protein context (NP_036413.1, residues 25-45): GPMPAPPRQE[Arg35Lys]KRTQDALIVL

ClinVar aggregate classification (germline): Uncertain significance (1 of 4 stars; one submission).

Conditions:
Early Myoclonic Encephalopathy. Identifiers: MedGen C0270855.

Allele frequency attached by ClinVar (database versions not stated): gnomAD exomes below 0.00001.
gnomAD v4.1: 1 of 1,613,988 alleles (0.000062%); highest among the groups gnomAD compares: Admixed American, 0.0017%; no homozygotes.

Submission:

Labcorp Genetics (formerly Invitae), Labcorp
Classification: Uncertain significance for Early Myoclonic Encephalopathy. Last evaluated: 2023-08-10. Review status: criteria provided, single submitter. Criteria: Invitae Variant Classification Sherloc (09022015). Collection method: clinical testing. Allele origin: germline.
Comment: In summary, the available evidence is currently insufficient to determine the role of this variant in disease. Therefore, it has been classified as a Variant of Uncertain Significance. Advanced modeling of protein sequence and biophysical properties (such as structural, functional, and spatial information, amino acid conservation, physicochemical variation, residue mobility, and thermodynamic stability) performed at Invitae indicates that this missense variant is not expected to disrupt KCND2 protein function. This variant has not been reported in the literature in individuals affected with KCND2-related conditions. This variant is present in population databases (no rsID available, gnomAD 0.003%). This sequence change replaces arginine, which is basic and polar, with lysine, which is basic and polar, at codon 35 of the KCND2 protein (p.Arg35Lys).